The following is an entry in ClinVar:

NM_001042492.3(NF1):c.955A>G (p.Ser319Gly)

Gene: NF1 (neurofibromin 1; plus strand). Cytogenetic location: 17q11.2.
Variant type: single nucleotide variant.
Coding change: c.955A>G on transcript NM_001042492.3 (MANE Select); coding-DNA position 955, A replaced by G.
Protein change: p.Ser319Gly; replaces serine 319 with glycine.
Molecular consequence: missense variant.
Genome position (GRCh38, 1-based): chr17:31,200,488, A>G. VCF-style: chr17-31200488-A-G. GRCh37 (hg19) VCF-style: chr17-29527506-A-G.
Other names: c.955A>G, p.Ser319Gly (NM_000267.4, NM_001128147.3); short protein forms S319G.
Identifiers: ClinVar variation 2647628 (VCV002647628.25), dbSNP rs2066507244, ClinGen allele CA398995865.

ClinVar aggregate classification (germline): Uncertain significance. Review status: criteria provided, multiple submitters, no conflicts (2 of 4 stars). 2 submissions from 2 submitters: Uncertain significance (2). Last evaluated 2025-02-11.

Conditions:
Neurofibromatosis, type 1 (NF1). Also called: VON RECKLINGHAUSEN DISEASE; NEUROFIBROMATOSIS, TYPE I, SOMATIC; Peripheral type neurofibromatosis; Neurofibromatosis, type I. Identifiers: Orphanet 636, MedGen C0027831, MONDO:0018975, OMIM 162200. Disease mechanism: loss of function.

Allele frequency attached by ClinVar (database versions not stated): gnomAD exomes below 0.00001.
gnomAD v4.1: 2 of 1,614,180 alleles (0.00012%); highest among the groups gnomAD compares: African/African-American, 0.0013%; no homozygotes.

Submissions (2):

Labcorp Genetics (formerly Invitae), Labcorp
Classification: Uncertain significance for Neurofibromatosis, type 1. Last evaluated: 2025-02-11. Review status: criteria provided, single submitter. Criteria: Invitae Variant Classification Sherloc (09022015). Collection method: clinical testing. Allele origin: germline.
Comment: This sequence change replaces serine, which is neutral and polar, with glycine, which is neutral and non-polar, at codon 319 of the NF1 protein (p.Ser319Gly). This variant is not present in population databases (gnomAD no frequency). This variant has not been reported in the literature in individuals affected with NF1-related conditions. ClinVar contains an entry for this variant (Variation ID: 2647628). Invitae Evidence Modeling of protein sequence and biophysical properties (such as structural, functional, and spatial information, amino acid conservation, physicochemical variation, residue mobility, and thermodynamic stability) indicates that this missense variant is not expected to disrupt NF1 protein function with a negative predictive value of 95%. In summary, the available evidence is currently insufficient to determine the role of this variant in disease. Therefore, it has been classified as a Variant of Uncertain Significance.

CeGaT Center for Human Genetics Tuebingen
Classification: Uncertain significance. Last evaluated: 2022-05-01. Review status: criteria provided, single submitter. Criteria: CeGaT Center For Human Genetics Tuebingen Variant Classification Criteria Version 2. Collection method: clinical testing. Allele origin: germline. Affected: yes. Observed: 1 variant allele.
Comment: NF1: PM2